The following is an entry in ClinVar:

NM_001352754.2(ARMC9):c.2116T>C (p.Cys706Arg)

Gene: ARMC9 (armadillo repeat containing 9; plus strand). Cytogenetic location: 2q37.1.
Variant type: single nucleotide variant.
Coding change: c.2116T>C on transcript NM_001352754.2 (MANE Select); coding-DNA position 2116, T replaced by C.
Protein change: p.Cys706Arg; replaces cysteine 706 with arginine.
Molecular consequence: missense variant.
Genome position (GRCh38, 1-based): chr2:231,355,919, T>C. VCF-style: chr2-231355919-T-C. GRCh37 (hg19) VCF-style: chr2-232220631-T-C.
Other names: c.2116T>C, p.Cys706Arg (NM_001271466.4); short protein forms C706R.
Identifiers: ClinVar variation 1486752 (VCV001486752.6), dbSNP rs2125590894, ClinGen allele CA350957830.
Genomic context (GRCh38, chr2:231,355,919, plus strand): 5'-GCCCTGCCAGCCGCTCACGAGGCTGTCTACAGGGAGGGCAAGCCCAGCACCCCGGAGTCC[T>C]GCGTCTCCTCTTCATGTAAGAATGTGGGCAGCACACTGGGTCAGTTCTGGGATTGTGATG-3'
Protein context (NP_001339683.2, residues 696-716): REGKPSTPES[Cys706Arg]VSSSSAIIAK

ClinVar aggregate classification (germline): Uncertain significance (1 of 4 stars; one submission).

Submission:

Labcorp Genetics (formerly Invitae), Labcorp
Classification: Uncertain significance. Last evaluated: 2025-09-02. Review status: criteria provided, single submitter. Criteria: Invitae Variant Classification Sherloc (09022015). Collection method: clinical testing. Allele origin: germline.
Comment: This sequence change replaces cysteine, which is neutral and slightly polar, with arginine, which is basic and polar, at codon 706 of the ARMC9 protein (p.Cys706Arg). This variant is not present in population databases (gnomAD no frequency). This variant has not been reported in the literature in individuals affected with ARMC9-related conditions. ClinVar contains an entry for this variant (Variation ID: 1486752). Experimental studies and prediction algorithms are not available or were not evaluated, and the functional significance of this variant is currently unknown. In summary, the available evidence is currently insufficient to determine the role of this variant in disease. Therefore, it has been classified as a Variant of Uncertain Significance.